The following is an entry in ClinVar:

ClinVar aggregate classification (germline): Uncertain significance (1 of 4 stars; one submission).

Submission:

GeneDx
Classification: Uncertain significance. Last evaluated: 2023-07-18. Review status: criteria provided, single submitter. Criteria: GeneDx Variant Classification Process June 2021. Collection method: clinical testing. Allele origin: germline. Affected: yes.
Comment: Not observed at significant frequency in large population cohorts (gnomAD); In silico analysis supports that this missense variant has a deleterious effect on protein structure/function; Has not been previously published as pathogenic or benign to our knowledge

NM_001127222.2(CACNA1A):c.6155C>T (p.Pro2052Leu)

Gene: CACNA1A (calcium voltage-gated channel subunit alpha1 A; minus strand). Cytogenetic location: 19p13.13.
Variant type: single nucleotide variant.
Coding change: c.6155C>T on transcript NM_001127222.2 (MANE Select); coding-DNA position 6155, C replaced by T.
Protein change: p.Pro2052Leu; replaces proline 2052 with leucine.
Molecular consequence: missense variant.
Genome position (GRCh38, 1-based): chr19:13,212,418, G>A on the plus strand (C>T on the coding strand, the complement: CACNA1A is on the minus strand). VCF-style: chr19-13212418-G-A. GRCh37 (hg19) VCF-style: chr19-13323232-G-A.
Other names: c.6173C>T, p.Pro2058Leu (NM_000068.4, NM_023035.3); c.6158C>T, p.Pro2053Leu (NM_001127221.2); c.6164C>T, p.Pro2055Leu (NM_001174080.2); short protein forms P2052L, P2053L, P2055L, P2058L.
Identifiers: ClinVar variation 3361147 (VCV003361147.1).